The following is an entry in ClinVar:

NM_020810.3(TRMT5):c.1456G>T (p.Asp486Tyr)

Gene: TRMT5 (tRNA methyltransferase 5; minus strand). Cytogenetic location: 14q23.1.
Variant type: single nucleotide variant.
Coding change: c.1456G>T on transcript NM_020810.3 (MANE Select); coding-DNA position 1456, G replaced by T.
Protein change: p.Asp486Tyr; replaces aspartic acid 486 with tyrosine.
Molecular consequence: missense variant.
Genome position (GRCh38, 1-based): chr14:60,975,183, C>A on the plus strand (G>T on the coding strand, the complement: TRMT5 is on the minus strand). VCF-style: chr14-60975183-C-A. GRCh37 (hg19) VCF-style: chr14-61441901-C-A.
Other names: c.1540G>T, p.Asp514Tyr (NM_001350253.1); c.1537G>T, p.Asp513Tyr (NM_001350254.1); short protein forms D486Y, D514Y, D513Y.
Identifiers: ClinVar variation 1943753 (VCV001943753.5), dbSNP rs1368802589, ClinGen allele CA389918613.

ClinVar aggregate classification (germline): Uncertain significance (1 of 4 stars; one submission).

Allele frequency attached by ClinVar (database versions not stated): gnomAD exomes below 0.00001; gnomAD 0.00001; TOPMed 0.00001.

Submission:

Labcorp Genetics (formerly Invitae), Labcorp
Classification: Uncertain significance. Last evaluated: 2022-07-15. Review status: criteria provided, single submitter. Criteria: Invitae Variant Classification Sherloc (09022015). Collection method: clinical testing. Allele origin: germline.
Comment: In summary, the available evidence is currently insufficient to determine the role of this variant in disease. Therefore, it has been classified as a Variant of Uncertain Significance. Algorithms developed to predict the effect of sequence changes on RNA splicing suggest that this variant may disrupt the consensus splice site. Algorithms developed to predict the effect of missense changes on protein structure and function are either unavailable or do not agree on the potential impact of this missense change (SIFT: "Deleterious"; PolyPhen-2: "Benign"; Align-GVGD: "Class C15"). This variant has not been reported in the literature in individuals affected with TRMT5-related conditions. This variant is not present in population databases (gnomAD no frequency). This sequence change replaces aspartic acid, which is acidic and polar, with tyrosine, which is neutral and polar, at codon 486 of the TRMT5 protein (p.Asp486Tyr).